The following is an entry in ClinVar:

NM_170606.3(KMT2C):c.12570C>T (p.Ser4190=)

Gene: KMT2C (lysine methyltransferase 2C; minus strand). Cytogenetic location: 7q36.1.
Variant type: single nucleotide variant.
Coding change: c.12570C>T on transcript NM_170606.3 (MANE Select); coding-DNA position 12570, C replaced by T.
Protein change: p.Ser4190=; no amino-acid change (serine 4190 retained).
Molecular consequence: synonymous variant.
Genome position (GRCh38, 1-based): chr7:152,151,538, G>A on the plus strand (C>T on the coding strand, the complement: KMT2C is on the minus strand). VCF-style: chr7-152151538-G-A. GRCh37 (hg19) VCF-style: chr7-151848623-G-A.
Identifiers: ClinVar variation 1646971 (VCV001646971.32), dbSNP rs149872298, ClinGen allele CA4578765.

ClinVar aggregate classification (germline): Benign/Likely benign. Review status: criteria provided, multiple submitters, no conflicts (2 of 4 stars). 2 submissions from 2 submitters: Benign (1); Likely benign (1). Last evaluated 2025-11-01.

Allele frequency attached by ClinVar (database versions not stated): TOPMed 0.00009; ESP Exome Variant Server 0.00023; 1000 Genomes Project 30x 0.00078; gnomAD exomes 0.00088 and 0.00197; 1000 Genomes Project 0.00100; ExAC 0.00167; gnomAD 0.00171 and 0.00178.
gnomAD v4.1: 1,541 of 1,613,958 alleles (0.095%); highest among the groups gnomAD compares: Middle Eastern, 0.016%; 16 homozygotes.

Submissions (2):

CeGaT Center for Human Genetics Tuebingen
Classification: Likely benign. Last evaluated: 2025-11-01. Review status: criteria provided, single submitter. Criteria: CeGaT Center For Human Genetics Tuebingen Variant Classification Criteria Version 2. Collection method: clinical testing. Allele origin: germline. Affected: yes. Observed: 2 variant alleles.
Comment: KMT2C: BP4, BP7

Labcorp Genetics (formerly Invitae), Labcorp
Classification: Benign. Last evaluated: 2025-01-28. Review status: criteria provided, single submitter. Criteria: Invitae Variant Classification Sherloc (09022015). Collection method: clinical testing. Allele origin: germline.